The following is an entry in ClinVar:

NC_000016.9:g.(?_53721765)_(53721887_?)del

Gene: RPGRIP1L (RPGRIP1 like; minus strand). Cytogenetic location: 16q12.2.
Variant type: Deletion.
Identifiers: ClinVar variation 2426113 (VCV002426113.6).

ClinVar aggregate classification (germline): Pathogenic (1 of 4 stars; one submission).

Conditions:
Joubert syndrome. Also called: CEREBELLOPARENCHYMAL DISORDER IV; JOUBERT-BOLTSHAUSER SYNDROME; Familial aplasia of the vermis. Identifiers: Orphanet 475, MedGen C5979921, MONDO:0018772.
Meckel-Gruber syndrome. Also called: DYSENCEPHALIA SPLANCHNOCYSTICA; GRUBER SYNDROME; Dysencephalia splachnocystica. Identifiers: Orphanet 564, MedGen C0265215, MONDO:0018921.

Submission:

Labcorp Genetics (formerly Invitae), Labcorp
Classification: Pathogenic for Joubert syndrome; Meckel-Gruber syndrome. Last evaluated: 2022-04-24. Review status: criteria provided, single submitter. Criteria: Invitae Variant Classification Sherloc (09022015). Collection method: clinical testing. Allele origin: germline.
Comment: This variant is a gross deletion of the genomic region encompassing exon(s) 5 of the RPGRIP1L gene. This deletion is out-of-frame, and is expected to create a premature termination codon and result in an absent or disrupted protein product. Loss-of-function variants in RPGRIP1L are known to be pathogenic (PMID: 17558409). This variant has not been reported in the literature in individuals affected with RPGRIP1L-related conditions. For these reasons, this variant has been classified as Pathogenic.

Literature cited by the submitters: PubMed 17558409.